The following is an entry in ClinVar:

NM_022489.4(INF2):c.118C>A (p.Arg40=)

Gene: INF2 (inverted formin 2; plus strand). Cytogenetic location: 14q32.33.
Variant type: single nucleotide variant.
Coding change: c.118C>A on transcript NM_022489.4 (MANE Select); coding-DNA position 118, C replaced by A.
Protein change: p.Arg40=; no amino-acid change (arginine 40 retained).
Molecular consequence: synonymous variant.
Genome position (GRCh38, 1-based): chr14:104,701,483, C>A. VCF-style: chr14-104701483-C-A. GRCh37 (hg19) VCF-style: chr14-105167820-C-A.
Other names: c.118C>A, p.Arg40= (NM_001031714.4, NM_032714.3).
Identifiers: ClinVar variation 705466 (VCV000705466.11), dbSNP rs761238349, ClinGen allele CA7372233.

ClinVar aggregate classification (germline): Likely benign. Review status: criteria provided, multiple submitters, no conflicts (2 of 4 stars). 2 submissions from 2 submitters: Likely benign (2). Last evaluated 2026-06-24.

Conditions:
INF2-related disorder. Also called: INF2-related condition.
Focal segmental glomerulosclerosis 5 (FSGS5). Identifiers: Orphanet 656, MedGen C2750475, MONDO:0013191, OMIM 613237.
Charcot-Marie-Tooth disease dominant intermediate E. Also called: CHARCOT-MARIE-TOOTH NEUROPATHY WITH FOCAL SEGMENTAL GLOMERULONEPHRITIS. Identifiers: Orphanet 93114, MedGen C4302667, MONDO:0013758, OMIM 614455.

Allele frequency attached by ClinVar (database versions not stated): ExAC 0.00004; gnomAD 0.00004; TOPMed 0.00005; gnomAD exomes 0.00007.
gnomAD v4.1: 83 of 1,602,476 alleles (0.0052%); highest among the groups gnomAD compares: Middle Eastern, 0.016%; no homozygotes.

Submissions (2):

PreventionGenetics, part of Exact Sciences
Classification: Likely benign for INF2-related condition. Last evaluated: 2026-06-24. Review status: criteria provided, single submitter. Criteria: ACMG Guidelines, 2015. Collection method: clinical testing. Allele origin: germline.
Comment: This variant is classified as likely benign based on ACMG/AMP sequence variant interpretation guidelines (Richards et al. 2015 PMID: 25741868, with internal and published modifications).

Labcorp Genetics (formerly Invitae), Labcorp
Classification: Likely benign for Charcot-Marie-Tooth disease dominant intermediate E; Focal segmental glomerulosclerosis 5. Last evaluated: 2026-01-12. Review status: criteria provided, single submitter. Criteria: Invitae Variant Classification Sherloc (09022015). Collection method: clinical testing. Allele origin: germline.